The following is an entry in ClinVar:

NM_000287.4(PEX6):c.1013A>G (p.Asp338Gly)

Gene: PEX6 (peroxisomal biogenesis factor 6; minus strand). Cytogenetic location: 6p21.1.
Variant type: single nucleotide variant.
Coding change: c.1013A>G on transcript NM_000287.4 (MANE Select); coding-DNA position 1013, A replaced by G.
Protein change: p.Asp338Gly; replaces aspartic acid 338 with glycine.
Molecular consequence: missense variant. On other transcripts: non-coding transcript variant (1).
Genome position (GRCh38, 1-based): chr6:42,974,908, T>C on the plus strand (A>G on the coding strand, the complement: PEX6 is on the minus strand). VCF-style: chr6-42974908-T-C. GRCh37 (hg19) VCF-style: chr6-42942646-T-C.
Other names: c.749A>G, p.Asp250Gly (NM_001316313.2); short protein forms D250G, D338G.
Identifiers: ClinVar variation 2071897 (VCV002071897.5), dbSNP rs188865897, ClinGen allele CA3811494.

ClinVar aggregate classification (germline): Uncertain significance. Review status: criteria provided, multiple submitters, no conflicts (2 of 4 stars). 4 submissions from 4 submitters: Uncertain significance (3). 1 of the submissions does not count toward it. Last evaluated 2025-05-13.

Conditions:
PEX6-related disorder. Also called: PEX6-related condition; PEX6-related disorders.
Peroxisome biogenesis disorder. Identifiers: Orphanet 79189, MedGen C1832200, MONDO:0019234. Disease mechanism: loss of function.
Inborn genetic diseases. Identifiers: MedGen C0950123, MeSH D030342.

Allele frequency attached by ClinVar (database versions not stated): gnomAD 0.00003; gnomAD exomes 0.00003; TOPMed 0.00003; ExAC 0.00005; 1000 Genomes Project 0.00040; 1000 Genomes Project 30x 0.00062.
gnomAD v4.1: 54 of 1,614,040 alleles (0.0033%); highest among the groups gnomAD compares: East Asian, 0.031%; 1 homozygote.

Submissions (4):

Ambry Genetics
Classification: Uncertain significance for Inborn genetic diseases. Last evaluated: 2025-05-13. Review status: criteria provided, single submitter. Criteria: Ambry Variant Classification Scheme 2023. Collection method: clinical testing. Allele origin: germline.

Blueprint Genetics
Classification: Uncertain significance. Last evaluated: 2024-05-23. Review status: criteria provided, single submitter. Criteria: ACMG Guidelines, 2015. Collection method: clinical testing. Allele origin: germline.

Labcorp Genetics (formerly Invitae), Labcorp
Classification: Uncertain significance for Peroxisome biogenesis disorder. Last evaluated: 2022-08-16. Review status: criteria provided, single submitter. Criteria: Invitae Variant Classification Sherloc (09022015). Collection method: clinical testing. Allele origin: germline.
Comment: This sequence change replaces aspartic acid, which is acidic and polar, with glycine, which is neutral and non-polar, at codon 338 of the PEX6 protein (p.Asp338Gly). This variant is present in population databases (rs188865897, gnomAD 0.03%). This variant has not been reported in the literature in individuals affected with PEX6-related conditions. Algorithms developed to predict the effect of missense changes on protein structure and function (SIFT, PolyPhen-2, Align-GVGD) all suggest that this variant is likely to be tolerated. In summary, the available evidence is currently insufficient to determine the role of this variant in disease. Therefore, it has been classified as a Variant of Uncertain Significance.

PreventionGenetics, part of Exact Sciences
Classification: Uncertain significance for PEX6-related condition. Last evaluated: 2024-03-29. Review status: no assertion criteria provided. Collection method: clinical testing. Allele origin: germline. Not counted in ClinVar's aggregate classification.
Comment: The PEX6 c.1013A>G variant is predicted to result in the amino acid substitution p.Asp338Gly. To our knowledge, this variant has not been reported in the literature. This variant is reported in 0.038% of alleles in individuals of East Asian descent in gnomAD. At this time, the clinical significance of this variant is uncertain due to the absence of conclusive functional and genetic evidence.